The following is an entry in ClinVar:

NM_000218.3(KCNQ1):c.1394-2500G>A

Genes: KCNQ1 (potassium voltage-gated channel subfamily Q member 1; plus strand), KCNQ1OT1 (KCNQ1 opposite strand/antisense transcript 1; minus strand). Cytogenetic location: 11p15.5.
Variant type: single nucleotide variant.
Coding change: c.1394-2500G>A on transcript NM_000218.3 (MANE Select); 2500 bases into the intron before coding-DNA position 1394, G replaced by A.
Molecular consequence: intron variant.
Genome position (GRCh38, 1-based): chr11:2,659,461, G>A. VCF-style: chr11-2659461-G-A. GRCh37 (hg19) VCF-style: chr11-2680691-G-A.
Other names: c.1124-2500G>A (NM_001406837.1); c.1298-2500G>A (NM_001406836.1); c.854-2500G>A (NM_001406838.1); c.1013-2500G>A (NM_181798.2).
Identifiers: ClinVar variation 1694607 (VCV001694607.31), dbSNP rs186087311, ClinGen allele CA216168679.
Genomic context (GRCh38, chr11:2,659,461, plus strand): 5'-TTTGAGATTCATCCATGTTGTTGCATAAATCATTAGTTAATTTCTTTTTATTGCTGGGTG[G>A]TATTCCATTGCATGAATATATACATTTTGTTTATGCATTCACCTGTTGAAGGACATCTTC-3'

ClinVar aggregate classification (germline): Likely benign (1 of 4 stars; one submission).

Allele frequency attached by ClinVar (database versions not stated): 1000 Genomes Project 30x 0.00094; 1000 Genomes Project 0.00100; gnomAD 0.00204 and 0.00210; TOPMed 0.00210.
gnomAD v4.1: 989 of 398,520 alleles (0.25%); highest among the groups gnomAD compares: Admixed American, 0.33%; 5 homozygotes.

Submission:

CeGaT Center for Human Genetics Tuebingen
Classification: Likely benign. Last evaluated: 2026-09-01. Review status: criteria provided, single submitter. Criteria: CeGaT Center For Human Genetics Tuebingen Variant Classification Criteria Version 2. Collection method: clinical testing. Allele origin: germline. Affected: yes. Observed: 43 variant alleles.
Comment: KCNQ1OT1: BS2; KCNQ1: BS2